The following is an entry in ClinVar:

ClinVar aggregate classification (germline): Uncertain significance. Review status: criteria provided, multiple submitters, no conflicts (2 of 4 stars). 3 submissions from 3 submitters: Uncertain significance (3). Last evaluated 2021-09-01.

Conditions:
Retinitis pigmentosa (RP). Identifiers: Orphanet 791, MedGen C0035334, MeSH D012174, MONDO:0019200, OMIM 268000. Inheritance: Autosomal dominant, autosomal recessive and X linked inheritance.

Allele frequency attached by ClinVar (database versions not stated): gnomAD exomes 0.00001 and 0.00006; TOPMed 0.00001; ExAC 0.00002.
gnomAD v4.1: 85 of 1,614,036 alleles (0.0053%); highest among the groups gnomAD compares: Non-Finnish European, 0.0071%; no homozygotes.

Submissions (3):

Labcorp Genetics (formerly Invitae), Labcorp
Classification: Uncertain significance. Last evaluated: 2021-09-01. Review status: criteria provided, single submitter. Criteria: Invitae Variant Classification Sherloc (09022015). Collection method: clinical testing. Allele origin: germline.
Comment: This sequence change replaces methionine with threonine at codon 53 of the CNGB1 protein (p.Met53Thr). The methionine residue is weakly conserved and there is a moderate physicochemical difference between methionine and threonine. This variant is present in population databases (rs764636892, ExAC 0.003%). This variant has not been reported in the literature in individuals affected with CNGB1-related conditions. ClinVar contains an entry for this variant (Variation ID: 884344). Algorithms developed to predict the effect of missense changes on protein structure and function (SIFT, PolyPhen-2, Align-GVGD) all suggest that this variant is likely to be tolerated. In summary, the available evidence is currently insufficient to determine the role of this variant in disease. Therefore, it has been classified as a Variant of Uncertain Significance.

Blueprint Genetics
Classification: Uncertain significance. Last evaluated: 2019-01-15. Review status: criteria provided, single submitter. Criteria: ACMG Guidelines, 2015. Collection method: clinical testing. Allele origin: germline.

Illumina Laboratory Services, Illumina
Classification: Uncertain significance for Retinitis pigmentosa. Last evaluated: 2018-01-13. Review status: criteria provided, single submitter. Criteria: ICSL Variant Classification Criteria 13 December 2019. Collection method: clinical testing. Allele origin: germline.

NM_001297.5(CNGB1):c.158T>C (p.Met53Thr)

Gene: CNGB1 (cyclic nucleotide gated channel subunit beta 1; minus strand). Cytogenetic location: 16q21.
Variant type: single nucleotide variant.
Coding change: c.158T>C on transcript NM_001297.5 (MANE Select); coding-DNA position 158, T replaced by C.
Protein change: p.Met53Thr; replaces methionine 53 with threonine.
Molecular consequence: missense variant.
Genome position (GRCh38, 1-based): chr16:57,967,129, A>G on the plus strand (T>C on the coding strand, the complement: CNGB1 is on the minus strand). VCF-style: chr16-57967129-A-G. GRCh37 (hg19) VCF-style: chr16-58001033-A-G.
Other names: c.158T>C, p.Met53Thr (NM_001135639.2, NM_001286130.2); short protein forms M53T.
Identifiers: ClinVar variation 884344 (VCV000884344.9), dbSNP rs764636892, ClinGen allele CA8083994.